The following is an entry in ClinVar:

NM_052874.5(STX1B):c.516G>T (p.Lys172Asn)

Gene: STX1B (syntaxin 1B; minus strand). Cytogenetic location: 16p11.2.
Variant type: single nucleotide variant.
Coding change: c.516G>T on transcript NM_052874.5 (MANE Select); coding-DNA position 516, G replaced by T.
Protein change: p.Lys172Asn; replaces lysine 172 with asparagine.
Molecular consequence: missense variant.
Genome position (GRCh38, 1-based): chr16:30,996,704, C>A on the plus strand (G>T on the coding strand, the complement: STX1B is on the minus strand). VCF-style: chr16-30996704-C-A. GRCh37 (hg19) VCF-style: chr16-31008025-C-A.
Other names: short protein forms K172N.
Identifiers: ClinVar variation 4795739 (VCV004795739.1).

ClinVar aggregate classification (germline): Uncertain significance (1 of 4 stars; one submission).

Submission:

GeneDx
Classification: Uncertain significance. Last evaluated: 2025-08-14. Review status: criteria provided, single submitter. Criteria: GeneDx Variant Classification Process June 2021. Collection method: clinical testing. Allele origin: germline. Affected: yes.
Comment: Not observed at significant frequency in large population cohorts (gnomAD); In silico analysis suggests that this missense variant does not alter protein structure/function; Has not been previously published as pathogenic or benign to our knowledge